The following is an entry in ClinVar:

ClinVar aggregate classification (germline): Likely benign. Review status: criteria provided, multiple submitters, no conflicts (2 of 4 stars). 2 submissions from 2 submitters: Likely benign (2). Last evaluated 2026-06-01.

Submissions (2):

CeGaT Center for Human Genetics Tuebingen
Classification: Likely benign. Last evaluated: 2026-06-01. Review status: criteria provided, single submitter. Criteria: CeGaT Center For Human Genetics Tuebingen Variant Classification Criteria Version 2. Collection method: clinical testing. Allele origin: germline. Affected: yes. Observed: 6 variant alleles.
Comment: SMG8: PM4:Supporting, BS2

Blueprint Genetics
Classification: Likely benign. Last evaluated: 2024-11-13. Review status: criteria provided, single submitter. Criteria: ACMG Guidelines, 2015. Collection method: clinical testing. Allele origin: germline.

NM_018149.7(SMG8):c.1163AAC[1] (p.Gln389del)

Gene: SMG8 (SMG8 nonsense mediated mRNA decay factor; plus strand). Cytogenetic location: 17q22.
Variant type: Microsatellite.
Coding change: c.1163AAC[1] on transcript NM_018149.7 (MANE Select); one copy of the 3-base unit AAC starting at c.1163; the reference has two copies in a row; one copy, 3 bases deleted.
Protein change: p.Gln389del; deletes glutamine 389.
Molecular consequence: inframe deletion.
Genome position (GRCh38, 1-based): chr17:59,211,217-59,211,219, AAC deleted; deleting any 3 consecutive bases within chr17:59,211,212-59,211,219 gives the same sequence; the position shown is the placement nearest the transcript's 3' end. VCF-style (leftmost placement, unchanged base first): chr17-59211211-GACA-G. GRCh37 (hg19) VCF-style: chr17-57288572-GACA-G.
Other names: short protein forms Q389del.
Identifiers: ClinVar variation 2647976 (VCV002647976.25), dbSNP rs3060946, ClinGen allele CA8679558.
Genomic context (GRCh38, chr17:59,211,211, plus strand): 5'-TGCTGGTGCCTGCACCCCTTTCTGGGCCTAGGCGATACCAGGTGATGAGGCAGCACAGCC[GACA>G]ACAACTTTCCTTTCACATTGACAGCAGCAGTTCCAGTTCTTCAGGCCAGCTAGTGGATTT-3'